The following is an entry in ClinVar:

NM_000179.3(MSH6):c.43C>G (p.Pro15Ala)

Gene: MSH6 (mutS homolog 6; plus strand). Cytogenetic location: 2p16.3.
Variant type: single nucleotide variant.
Coding change: c.43C>G on transcript NM_000179.3 (MANE Select); coding-DNA position 43, C replaced by G.
Protein change: p.Pro15Ala; replaces proline 15 with alanine.
Molecular consequence: missense variant. On other transcripts: 5 prime UTR variant (1).
Genome position (GRCh38, 1-based): chr2:47,783,276, C>G. VCF-style: chr2-47783276-C-G. GRCh37 (hg19) VCF-style: chr2-48010415-C-G.
Other names: c.43C>G, p.Pro15Ala (NM_001281492.2); c.-694C>G (NM_001281493.2); short protein forms P15A.
Identifiers: ClinVar variation 483882 (VCV000483882.20), dbSNP rs776745497, ClinGen allele CA346734536.

ClinVar aggregate classification (germline): Uncertain significance. Review status: criteria provided, multiple submitters, no conflicts (2 of 4 stars). 5 submissions from 5 submitters: Uncertain significance (5). Last evaluated 2025-04-29.

Conditions:
Lynch syndrome. Identifiers: Orphanet 144, MedGen C4552100, MONDO:0005835. Disease mechanism: loss of function.
Hereditary nonpolyposis colorectal neoplasms. Identifiers: MedGen C0009405, MeSH D003123.
Hereditary cancer-predisposing syndrome. Also called: Neoplastic Syndromes, Hereditary; Tumor predisposition; Hereditary Cancer Syndrome; Hereditary neoplastic syndrome. Identifiers: Orphanet 140162, MedGen C0027672, MeSH D009386, MONDO:0015356.

gnomAD v4.1: 1 of 1,612,236 alleles (0.000062%); highest among the groups gnomAD compares: Non-Finnish European, 0.000085%; no homozygotes.

Submissions (5):

Ambry Genetics
Classification: Uncertain significance for Hereditary cancer-predisposing syndrome. Last evaluated: 2025-04-29. Review status: criteria provided, single submitter. Criteria: Ambry Variant Classification Scheme 2023. Collection method: clinical testing. Allele origin: germline.

Labcorp Genetics (formerly Invitae), Labcorp
Classification: Uncertain significance for Hereditary nonpolyposis colorectal neoplasms. Last evaluated: 2025-04-28. Review status: criteria provided, single submitter. Criteria: Invitae Variant Classification Sherloc (09022015). Collection method: clinical testing. Allele origin: germline.
Comment: This sequence change replaces proline, which is neutral and non-polar, with alanine, which is neutral and non-polar, at codon 15 of the MSH6 protein (p.Pro15Ala). This variant is not present in population databases (gnomAD no frequency). This variant has not been reported in the literature in individuals affected with MSH6-related conditions. ClinVar contains an entry for this variant (Variation ID: 483882). Invitae Evidence Modeling of protein sequence and biophysical properties (such as structural, functional, and spatial information, amino acid conservation, physicochemical variation, residue mobility, and thermodynamic stability) indicates that this missense variant is not expected to disrupt MSH6 protein function with a negative predictive value of 95%. In summary, the available evidence is currently insufficient to determine the role of this variant in disease. Therefore, it has been classified as a Variant of Uncertain Significance.

Quest Diagnostics Nichols Institute San Juan Capistrano
Classification: Uncertain significance. Last evaluated: 2024-03-06. Review status: criteria provided, single submitter. Criteria: Quest Diagnostics criteria. Collection method: clinical testing. Allele origin: unknown.
Comment: The MSH6 c.43C>G (p.Pro15Ala) variant has not been reported in individuals with MSH6-related conditions in the published literature. It also has not been reported in large, multi-ethnic general populations (Genome Aggregation Database). Analysis of this variant using bioinformatics tools for the prediction of the effect of amino acid changes on protein structure and function yielded predictions that this variant is benign. Based on the available information, we are unable to determine the clinical significance of this variant.

All of Us Research Program, National Institutes of Health
Classification: Uncertain significance for Lynch syndrome. Last evaluated: 2023-05-16. Review status: criteria provided, single submitter. Criteria: ACMG Guidelines, 2015. Collection method: clinical testing. Allele origin: germline. Inheritance: Autosomal dominant inheritance. Observed: 1 variant allele, 1 heterozygote.
Comment: This missense variant replaces proline with alanine at codon 15 of the MSH6 protein. Computational prediction suggests that this variant may not impact protein structure and function (internally defined REVEL score threshold <= 0.5, PMID: 27666373). To our knowledge, functional studies have not been reported for this variant. This variant has not been reported in individuals affected with MSH6-related disorders in the literature. This variant has not been identified in the general population by the Genome Aggregation Database (gnomAD). The available evidence is insufficient to determine the role of this variant in disease conclusively. Therefore, this variant is classified as a Variant of Uncertain Significance.

This study involves interpretation of variants in research participants for the purpose of population health screening. Participant phenotype was not available at the time of variant classification. Additional details can be found in publication PMID: 35346344, PMCID: PMC8962531

Color Diagnostics, LLC DBA Color Health
Classification: Uncertain significance for Hereditary cancer-predisposing syndrome. Last evaluated: 2023-04-20. Review status: criteria provided, single submitter. Criteria: ACMG Guidelines, 2015. Collection method: clinical testing. Allele origin: germline.
Comment: This missense variant replaces proline with alanine at codon 15 of the MSH6 protein. Computational prediction suggests that this variant may not impact protein structure and function (internally defined REVEL score threshold <= 0.5, PMID: 27666373). To our knowledge, functional studies have not been reported for this variant. This variant has not been reported in individuals affected with MSH6-related disorders in the literature. This variant has not been identified in the general population by the Genome Aggregation Database (gnomAD). The available evidence is insufficient to determine the role of this variant in disease conclusively. Therefore, this variant is classified as a Variant of Uncertain Significance.